The following is an entry in ClinVar:

ClinVar aggregate classification (germline): Likely benign (1 of 4 stars; one submission).

gnomAD v4.1: 823 of 1,573,206 alleles (0.052%); highest among the groups gnomAD compares: Non-Finnish European, 0.065%; no homozygotes.

Submission:

CeGaT Center for Human Genetics Tuebingen
Classification: Likely benign. Last evaluated: 2026-07-01. Review status: criteria provided, single submitter. Criteria: CeGaT Center For Human Genetics Tuebingen Variant Classification Criteria Version 2. Collection method: clinical testing. Allele origin: germline. Affected: yes. Observed: 1 variant allele.
Comment: SLC26A10P: BP4

NM_001478.5(B4GALNT1):c.*1060C>T

Gene: B4GALNT1 (beta-1,4-N-acetyl-galactosaminyltransferase 1; minus strand). Cytogenetic location: 12q13.3.
Variant type: single nucleotide variant.
Coding change: c.*1060C>T on transcript NM_001478.5 (MANE Select); 1060 bases downstream of the stop codon, C replaced by T.
Molecular consequence: 3 prime UTR variant. On other transcripts: non-coding transcript variant (2).
Genome position (GRCh38, 1-based): chr12:57,625,684, G>A on the plus strand (C>T on the coding strand, the complement: B4GALNT1 is on the minus strand). VCF-style: chr12-57625684-G-A. GRCh37 (hg19) VCF-style: chr12-58019467-G-A.
Other names: c.*1060C>T (NM_001276468.2, NM_001413967.1, NM_001413968.1 and 12 more transcripts).
Identifiers: ClinVar variation 5038593 (VCV005038593.1).